The following is an entry in ClinVar:

NM_006612.6(KIF1C):c.647G>A (p.Arg216His)

Gene: KIF1C (kinesin family member 1C; plus strand). Cytogenetic location: 17p13.2.
Variant type: single nucleotide variant.
Coding change: c.647G>A on transcript NM_006612.6 (MANE Select); coding-DNA position 647, G replaced by A.
Protein change: p.Arg216His; replaces arginine 216 with histidine.
Molecular consequence: missense variant.
Genome position (GRCh38, 1-based): chr17:5,002,769, G>A. VCF-style: chr17-5002769-G-A. GRCh37 (hg19) VCF-style: chr17-4906064-G-A.
Other names: short protein forms R216H.
Identifiers: ClinVar variation 2583176 (VCV002583176.1), dbSNP rs915801478, ClinGen allele CA287212797.
Genomic context (GRCh38, chr17:5,002,769, plus strand): 5'-TGACTGCTTTCTTTACCCTAAGGACTGTGGCTGCCACCAACATGAATGAGACCAGCAGCC[G>A]TTCCCATGCCGTCTTTACCATCGTCTTCACACAGCGCTGCCATGACCAGCTCACGGGGCT-3'
Protein context (NP_006603.2, residues 206-226): AATNMNETSS[Arg216His]SHAVFTIVFT

ClinVar aggregate classification (germline): Likely pathogenic (1 of 4 stars; one submission).

Conditions:
Spastic ataxia 2. Also called: Ataxia, spastic, 2, autosomal recessive. Identifiers: Orphanet 397946, MedGen C1969796, MONDO:0012651, OMIM 611302.

Allele frequency attached by ClinVar (database versions not stated): gnomAD exomes below 0.00001; TOPMed below 0.00001.
gnomAD v4.1: 2 of 1,613,952 alleles (0.00012%); highest among the groups gnomAD compares: East Asian, 0.0022%; no homozygotes.

Submission:

Diagnostics Services (NGS), CSIR - Centre For Cellular And Molecular Biology
Classification: Likely pathogenic for Spastic ataxia 2. Last evaluated: 2023-10-03. Review status: criteria provided, single submitter. Criteria: ACMG Guidelines, 2015. Collection method: clinical testing. Allele origin: germline. Affected: yes. Observed: 1 variant allele, 1 homozygote.
Comment: The c.647G>A variant is not present in publicly available population databases like 1000 Genomes, EVS, ExAC, gnomAD, Indian Exome Database or our in-house exome database. This variant has neither been reported in the literature in individuals with KIF1C-related conditions nor reported to clinical databases like ClinVar, Human Genome Mutation Database (HGMD) or OMIM in any affected individuals. In-silico pathogenicity programs like SIFT, PolyPhen-2, MutationTaster2, CADD, Varsome, Franklin etc predicted this variant to be likely deleterious however these predictions were not confirmed by published functional studies. A different amino acid change in the same codon (c.646C>T, p.Arg216Cys) has been previously observed an individual with spastic ataxia [PMID: 28454995] and reported to the clinical databases as ‘Likely Pathogenic’, by multiple submitters.